The following is an entry in ClinVar:

NM_001204.7(BMPR2):c.1114G>A (p.Ala372Thr)

Gene: BMPR2 (bone morphogenetic protein receptor type 2; plus strand). Cytogenetic location: 2q33.2.
Variant type: single nucleotide variant.
Coding change: c.1114G>A on transcript NM_001204.7 (MANE Select); coding-DNA position 1114, G replaced by A.
Protein change: p.Ala372Thr; replaces alanine 372 with threonine.
Molecular consequence: missense variant.
Genome position (GRCh38, 1-based): chr2:202,530,940, G>A. VCF-style: chr2-202530940-G-A. GRCh37 (hg19) VCF-style: chr2-203395663-G-A.
Other names: short protein forms A372T.
Identifiers: ClinVar variation 2718957 (VCV002718957.3), dbSNP rs75601858, ClinGen allele CA350341581.
Genomic context (GRCh38, chr2:202,530,940, plus strand): 5'-TTTGGACTGTCCATGAGGCTGACTGGAAATAGACTGGTGCGCCCAGGGGAGGAAGATAAT[G>A]CAGCCATAAGCGAGGTGAGTGTATACAAAAGGTATCACACTGATGTACTTTGAAATGATA-3'
Protein context (NP_001195.2, residues 362-382): RLVRPGEEDN[Ala372Thr]AISEVGTIRY

ClinVar aggregate classification (germline): Uncertain significance (1 of 4 stars; one submission).

Conditions:
Primary pulmonary hypertension. Also called: Idiopathic pulmonary hypertension. Identifiers: MedGen C0152171.

Submission:

Labcorp Genetics (formerly Invitae), Labcorp
Classification: Uncertain significance for Primary pulmonary hypertension. Last evaluated: 2023-06-18. Review status: criteria provided, single submitter. Criteria: Invitae Variant Classification Sherloc (09022015). Collection method: clinical testing. Allele origin: germline.
Comment: This variant is not present in population databases (gnomAD no frequency). This sequence change replaces alanine, which is neutral and non-polar, with threonine, which is neutral and polar, at codon 372 of the BMPR2 protein (p.Ala372Thr). This variant has not been reported in the literature in individuals affected with BMPR2-related conditions. In summary, the available evidence is currently insufficient to determine the role of this variant in disease. Therefore, it has been classified as a Variant of Uncertain Significance. Advanced modeling of protein sequence and biophysical properties (such as structural, functional, and spatial information, amino acid conservation, physicochemical variation, residue mobility, and thermodynamic stability) performed at Invitae indicates that this missense variant is not expected to disrupt BMPR2 protein function.